The following is an entry in ClinVar:

ClinVar aggregate classification (germline): Uncertain significance (1 of 4 stars; one submission).

Conditions:
PDZD7-related disorder. Also called: PDZD7-related condition; PDZD7-related disorders.

Submission:

PreventionGenetics, part of Exact Sciences
Classification: Uncertain significance for PDZD7-related condition. Last evaluated: 2024-10-30. Review status: criteria provided, single submitter. Criteria: ACMG Guidelines, 2015. Collection method: clinical testing. Allele origin: germline.
Comment: The PDZD7 c.2219C>G variant is predicted to result in the amino acid substitution p.Pro740Arg. To our knowledge, this variant has not been reported in the literature or in a large population database (gnomAD), indicating this variant is rare. At this time, the clinical significance of this variant is uncertain due to the absence of conclusive functional and genetic evidence.

NM_001195263.2(PDZD7):c.2219C>G (p.Pro740Arg)

Gene: PDZD7 (PDZ domain containing 7; minus strand). Cytogenetic location: 10q24.31.
Variant type: single nucleotide variant.
Coding change: c.2219C>G on transcript NM_001195263.2 (MANE Select); coding-DNA position 2219, C replaced by G.
Protein change: p.Pro740Arg; replaces proline 740 with arginine.
Molecular consequence: missense variant.
Genome position (GRCh38, 1-based): chr10:101,010,670, G>C on the plus strand (C>G on the coding strand, the complement: PDZD7 is on the minus strand). VCF-style: chr10-101010670-G-C. GRCh37 (hg19) VCF-style: chr10-102770427-G-C.
Other names: c.2216C>G, p.Pro739Arg (NM_001437429.1); short protein forms P739R, P740R.
Identifiers: ClinVar variation 5000065 (VCV005000065.1).
Genomic context (GRCh38, chr10:101,010,670, plus strand): 5'-TGCTCTCGGCTCAGGGGTTCTGTCAGCAGCCAGTTAGGCCGCAGGGGCCGGGGAGCCACG[G>C]GGGGTAGCTGGGGAGGGGGTGTGCAGGCAATTCGGAGGGGGGTGAAGGCATCTACTGGCA-3'
Protein context (NP_001182192.1, residues 730-750): IACTPPPQLP[Pro740Arg]VAPRPLRPNW